The following is an entry in ClinVar:

ClinVar aggregate classification (germline): Pathogenic/Likely pathogenic. Review status: criteria provided, multiple submitters, no conflicts (2 of 4 stars). 5 submissions from 5 submitters: Pathogenic (1); Likely pathogenic (4). Last evaluated 2025-12-26.

Conditions:
Spastic paraplegia. Identifiers: MedGen C0037772, HP:0001258.
Charlevoix-Saguenay spastic ataxia (SACS). Also called: Spastic ataxia of Charlevoix-Saguenay; SPASTIC ATAXIA 6, AUTOSOMAL RECESSIVE; AUTOSOMAL RECESSIVE SPASTIC ATAXIA OF CHARLEVOIX-SAGUENAY. Identifiers: Orphanet 98, MedGen C1849140, MONDO:0010041, OMIM 270550.

Submissions (5):

Natera, Inc.
Classification: Likely pathogenic for Charlevoix-Saguenay type spastic ataxia. Last evaluated: 2025-12-26. Review status: criteria provided, single submitter. Criteria: Natera Variant Classification Schema (03/2026). Collection method: clinical testing. Allele origin: germline.
Comment: The c.9956_9957delAA variant in SACS is a frameshift variant predicted to shift the reading frame beginning at codon 3319 and leads to a stop codon 56 codons downstream. This variant is expected to result in nonsense mediated decay, truncation, or a dysfunctional protein product. This variant is rare in the general population with a frequency below the threshold expected for the associated phenotype(s). This variant has been observed in one or more individuals affected with the associated recessive disease, as either homozygous or compound heterozygous with a second variant (PMID: 29538656). Given the available evidence, this variant is classified as Likely Pathogenic.

GeneDx
Classification: Likely pathogenic. Last evaluated: 2025-11-24. Review status: criteria provided, single submitter. Criteria: GeneDx Variant Classification Process June 2021. Collection method: clinical testing. Allele origin: germline. Affected: yes.
Comment: Reported with a second SACS variant, phase unknown, in unrelated patients with SACS-related spastic ataxia referred for genetic testing at GeneDx and in published literature (PMID: 29538656); Frameshift variant predicted to result in abnormal protein length as the last 1261 amino acids are replaced with 55 different amino acids, and other similar variants have been reported in HGMD; Not observed at significant frequency in large population cohorts (gnomAD); This variant is associated with the following publications: (PMID: 29538656)

Fulgent Genetics
Classification: Likely pathogenic for Charlevoix-Saguenay spastic ataxia. Last evaluated: 2024-05-08. Review status: criteria provided, single submitter. Criteria: ACMG Guidelines, 2015. Collection method: clinical testing. Allele origin: germline.

Baylor Genetics
Classification: Likely pathogenic for Charlevoix-Saguenay spastic ataxia. Last evaluated: 2023-10-11. Review status: criteria provided, single submitter. Criteria: ACMG Guidelines, 2015. Collection method: clinical testing. Allele origin: unknown.

Labcorp Genetics (formerly Invitae), Labcorp
Classification: Pathogenic for Spastic paraplegia. Last evaluated: 2023-06-28. Review status: criteria provided, single submitter. Criteria: Invitae Variant Classification Sherloc (09022015). Collection method: clinical testing. Allele origin: germline.
Comment: For these reasons, this variant has been classified as Pathogenic. This variant disrupts a region of the SACS protein in which other variant(s) (p.Tyr4538*) have been determined to be pathogenic (Invitae). This suggests that this is a clinically significant region of the protein, and that variants that disrupt it are likely to be disease-causing. ClinVar contains an entry for this variant (Variation ID: 817415). This premature translational stop signal has been observed in individual(s) with spastic ataxia (PMID: 29538656). This variant is present in population databases (rs772704931, gnomAD 0.01%). This sequence change creates a premature translational stop signal (p.Lys3319Serfs*56) in the SACS gene. While this is not anticipated to result in nonsense mediated decay, it is expected to disrupt the last 1261 amino acid(s) of the SACS protein.

Literature cited by the submitters: PubMed 29538656 (cited by Natera, Inc. and Labcorp Genetics (formerly Invitae), Labcorp).

NM_014363.6(SACS):c.9956_9957del (p.Lys3319fs)

Gene: SACS (sacsin molecular chaperone; minus strand). Cytogenetic location: 13q12.12.
Variant type: Deletion.
Coding change: c.9956_9957del on transcript NM_014363.6 (MANE Select); coding-DNA positions 9956 to 9957, 2 bases deleted (AA; older notation c.9956_9957delAA).
Protein change: p.Lys3319fs; shifts the reading frame from lysine 3319.
Molecular consequence: frameshift variant.
Genome position (GRCh38, 1-based): chr13:23,333,919-23,333,920, TT deleted on the plus strand (AA on the coding strand, the reverse complement: SACS is on the minus strand); deleting any 2 consecutive bases within chr13:23,333,919-23,333,921 gives the same sequence; the c. name uses the placement nearest the transcript's 3' end. VCF-style (leftmost placement, unchanged base first): chr13-23333918-CTT-C. GRCh37 (hg19) VCF-style: chr13-23908057-CTT-C.
Other names: c.9956_9957del (NM_014363.4); c.9515_9516del, p.Lys3172fs (NM_001278055.2); c.9956_9957delAA (NM_014363.5); short protein forms K3319fs, K3172fs.
Identifiers: ClinVar variation 817415 (VCV000817415.10), dbSNP rs772704931, ClinGen allele CA6910532.